The following is an entry in ClinVar:

ClinVar aggregate classification (germline): Uncertain significance. Review status: criteria provided, multiple submitters, no conflicts (2 of 4 stars). 2 submissions from 2 submitters: Uncertain significance (2). Last evaluated 2025-04-01.

Conditions:
Inborn genetic diseases. Identifiers: MedGen C0950123, MeSH D030342.

gnomAD v4.1: 4 of 1,614,162 alleles (0.00025%); highest among the groups gnomAD compares: Admixed American, 0.0017%; no homozygotes.

Submissions (2):

Ambry Genetics
Classification: Uncertain significance for Inborn genetic diseases. Last evaluated: 2025-04-01. Review status: criteria provided, single submitter. Criteria: Ambry Variant Classification Scheme 2023. Collection method: clinical testing. Allele origin: germline.

Labcorp Genetics (formerly Invitae), Labcorp
Classification: Uncertain significance. Last evaluated: 2021-10-05. Review status: criteria provided, single submitter. Criteria: Invitae Variant Classification Sherloc (09022015). Collection method: clinical testing. Allele origin: germline.
Comment: In summary, the available evidence is currently insufficient to determine the role of this variant in disease. Therefore, it has been classified as a Variant of Uncertain Significance. Algorithms developed to predict the effect of missense changes on protein structure and function output the following: SIFT: "Tolerated"; PolyPhen-2: "Probably Damaging"; Align-GVGD: "Class C0". The glycine amino acid residue is found in multiple mammalian species, which suggests that this missense change does not adversely affect protein function. This variant has not been reported in the literature in individuals affected with CACNA1D-related conditions. This variant is not present in population databases (ExAC no frequency). This sequence change replaces serine with glycine at codon 1867 of the CACNA1D protein (p.Ser1867Gly). The serine residue is moderately conserved and there is a small physicochemical difference between serine and glycine.

NM_001128840.3(CACNA1D):c.5539A>G (p.Ser1847Gly)

Gene: CACNA1D (calcium voltage-gated channel subunit alpha1 D; plus strand). Cytogenetic location: 3p21.1.
Variant type: single nucleotide variant.
Coding change: c.5539A>G on transcript NM_001128840.3 (MANE Select); coding-DNA position 5539, A replaced by G.
Protein change: p.Ser1847Gly; replaces serine 1847 with glycine.
Molecular consequence: missense variant.
Genome position (GRCh38, 1-based): chr3:53,803,526, A>G. VCF-style: chr3-53803526-A-G. GRCh37 (hg19) VCF-style: chr3-53837553-A-G.
Other names: c.5599A>G, p.Ser1867Gly (NM_000720.4); c.5467A>G, p.Ser1823Gly (NM_001128839.3); c.5599A>G (NM_000720.2); short protein forms S1823G, S1847G, S1867G.
Identifiers: ClinVar variation 1522811 (VCV001522811.7), dbSNP rs1363134957, ClinGen allele CA353253791.